The following is an entry in ClinVar:

NM_001199107.2(TBC1D24):c.115G>C (p.Ala39Pro)

Gene: TBC1D24 (TBC1 domain family member 24; plus strand). Cytogenetic location: 16p13.3.
Variant type: single nucleotide variant.
Coding change: c.115G>C on transcript NM_001199107.2 (MANE Select); coding-DNA position 115, G replaced by C.
Protein change: p.Ala39Pro; replaces alanine 39 with proline.
Molecular consequence: missense variant.
Genome position (GRCh38, 1-based): chr16:2,496,263, G>C. VCF-style: chr16-2496263-G-C. GRCh37 (hg19) VCF-style: chr16-2546264-G-C.
Other names: c.115G>C, p.Ala39Pro (NM_020705.3); short protein forms A39P.
Identifiers: ClinVar variation 1066340 (VCV001066340.7), dbSNP rs770363653, ClinGen allele CA394374586.

ClinVar aggregate classification (germline): Pathogenic (1 of 4 stars; one submission).

Conditions:
Developmental and epileptic encephalopathy, 1 (DEE1). Also called: X-linked infantile spasms; West's syndrome; Tonic spasms with clustering, arrest of psychomotor development and hypsarrhythmia on EEG; X-Linked Infantile Spasm Syndrome; OHTAHARA SYNDROME, X-LINKED; Epileptic encephalopathy, early infantile, 1. Identifiers: MedGen C3463992, MONDO:0010632, OMIM 308350. Disease mechanism: loss of function.
Autosomal dominant nonsyndromic hearing loss 65. Also called: Deafness, autosomal dominant 65; TBC1D24-Related Autosomal Dominant Nonsyndromic Hearing Loss (DFNA). Identifiers: Orphanet 90635, MedGen C3892048, MONDO:0014470, OMIM 616044.

Allele frequency attached by ClinVar (database versions not stated): TOPMed 0.00001.
gnomAD v4.1: 2 of 1,613,820 alleles (0.00012%); highest among the groups gnomAD compares: Admixed American, 0.0017%; no homozygotes.

Submission:

Labcorp Genetics (formerly Invitae), Labcorp
Classification: Pathogenic for Developmental and epileptic encephalopathy, 1; Autosomal dominant nonsyndromic hearing loss 65. Last evaluated: 2025-03-02. Review status: criteria provided, single submitter. Criteria: Invitae Variant Classification Sherloc (09022015). Collection method: clinical testing. Allele origin: germline.
Comment: This sequence change replaces alanine, which is neutral and non-polar, with proline, which is neutral and non-polar, at codon 39 of the TBC1D24 protein (p.Ala39Pro). This variant is present in population databases (no rsID available, gnomAD 0.003%). This missense change has been observed in individuals with autosomal recessive TBC1D24-related conditions (PMID: 27281533; internal data). It has also been observed to segregate with disease in related individuals. ClinVar contains an entry for this variant (Variation ID: 1066340). Invitae Evidence Modeling of protein sequence and biophysical properties (such as structural, functional, and spatial information, amino acid conservation, physicochemical variation, residue mobility, and thermodynamic stability) indicates that this missense variant is expected to disrupt TBC1D24 protein function with a positive predictive value of 95%. This variant disrupts the p.Ala39 amino acid residue in TBC1D24. Other variant(s) that disrupt this residue have been determined to be pathogenic (PMID: 28292732, 30180405; internal data). This suggests that this residue is clinically significant, and that variants that disrupt this residue are likely to be disease-causing. For these reasons, this variant has been classified as Pathogenic.

Literature cited by the submitters: PubMed 27281533; PubMed 28292732; PubMed 30180405.